The following is an entry in ClinVar:

NM_001110556.2(FLNA):c.25G>A (p.Gly9Ser)

Gene: FLNA (filamin A; minus strand). Cytogenetic location: Xq28.
Variant type: single nucleotide variant.
Coding change: c.25G>A on transcript NM_001110556.2 (MANE Select); coding-DNA position 25, G replaced by A.
Protein change: p.Gly9Ser; replaces glycine 9 with serine.
Molecular consequence: missense variant.
Genome position (GRCh38, 1-based): chrX:154,371,221, C>T on the plus strand (G>A on the coding strand, the complement: FLNA is on the minus strand). VCF-style: chrX-154371221-C-T. GRCh37 (hg19) VCF-style: chrX-153599589-C-T.
Other names: c.25G>A, p.Gly9Ser (NM_001456.4); short protein forms G9S.
Identifiers: ClinVar variation 4791381 (VCV004791381.1).
Genomic context (GRCh38, chrX:154,371,221, plus strand): 5'-GCATCTCGGCGTCCCGCGTGTCGACGCCGCCGCCCGGAGCCGCGCCTGCTGCGCTCTGGC[C>T]CGCCCGAGAGTGGGAGCTACTCATTTTGAGGCGCGAGAAGCCGGGGGGGCGGTGCTGCAG-3'
Protein context (NP_001104026.1, residues 1-19): MSSSHSRA[Gly9Ser]QSAAGAAPGG

ClinVar aggregate classification (germline): Uncertain significance (1 of 4 stars; one submission).

Conditions:
Heterotopia, periventricular, X-linked dominant (PVNH1). Also called: PERIVENTRICULAR NODULAR HETEROTOPIA 4; HETEROTOPIA, PERIVENTRICULAR, 1; PERIVENTRICULAR NODULAR HETEROTOPIA 1; X-linked periventricular heterotopia. Identifiers: Orphanet 2149, Orphanet 82004, MedGen C1848213, MONDO:0010233, OMIM 300049.
Oto-palato-digital syndrome, type II (OPD2). Also called: Otopalatodigital Syndrome, Type II; FACIOPALATOOSSEOUS SYNDROME; OPD II SYNDROME; Otopalatodigital Syndrome Type 2 (FLNA-OPD2). Identifiers: Orphanet 669, Orphanet 90652, MedGen C1844696, MONDO:0010571, OMIM 304120.
Melnick-Needles syndrome (MNS). Also called: MELNICK-NEEDLES OSTEODYSPLASTY; OSTEODYSPLASTY OF MELNICK AND NEEDLES; Melnick-Needles Syndrome (FLNA-MNS). Identifiers: Orphanet 2484, MedGen C0025237, MONDO:0010650, OMIM 309350.
Frontometaphyseal dysplasia (FMD1). Identifiers: Orphanet 1826, MedGen C0265293, MONDO:0015942.

Submission:

Labcorp Genetics (formerly Invitae), Labcorp
Classification: Uncertain significance for Oto-palato-digital syndrome, type II; Heterotopia, periventricular, X-linked dominant; Frontometaphyseal dysplasia; Melnick-Needles syndrome. Last evaluated: 2025-03-12. Review status: criteria provided, single submitter. Criteria: Invitae Variant Classification Sherloc (09022015). Collection method: clinical testing. Allele origin: germline.
Comment: This sequence change replaces glycine, which is neutral and non-polar, with serine, which is neutral and polar, at codon 9 of the FLNA protein (p.Gly9Ser). This variant is not present in population databases (gnomAD no frequency). This variant has not been reported in the literature in individuals affected with FLNA-related conditions. Invitae Evidence Modeling of protein sequence and biophysical properties (such as structural, functional, and spatial information, amino acid conservation, physicochemical variation, residue mobility, and thermodynamic stability) indicates that this missense variant is not expected to disrupt FLNA protein function with a negative predictive value of 95%. In summary, the available evidence is currently insufficient to determine the role of this variant in disease. Therefore, it has been classified as a Variant of Uncertain Significance.